The following is an entry in ClinVar:

NC_000003.12:g.169765024T>A

Genes: TERC (telomerase RNA component; minus strand), LOC110806306 (telomerase RNA component (TERC) promoter; plus strand). Cytogenetic location: 3q26.2.
Variant type: single nucleotide variant.
Genome position: GRCh38 VCF-style: chr3-169765024-T-A. GRCh37 (hg19) VCF-style: chr3-169482812-T-A.
Identifiers: ClinVar variation 660503 (VCV000660503.7), dbSNP rs199422261, ClinGen allele CA2696827.

ClinVar aggregate classification (germline): Uncertain significance (1 of 4 stars; one submission).

Conditions:
Dyskeratosis congenita, autosomal dominant 1 (DKCA1). Also called: Dyskeratosis congenita Scoggins type. Identifiers: Orphanet 1775, MedGen C4551974, MONDO:0007485, OMIM 127550. Inheritance: Variable.

Allele frequency attached by ClinVar (database versions not stated): TOPMed 0.00002.
gnomAD v4.1: 6 of 765,108 alleles (0.00078%); highest among the groups gnomAD compares: Admixed American, 0.0017%; no homozygotes.

Submission:

Labcorp Genetics (formerly Invitae), Labcorp
Classification: Uncertain significance for Dyskeratosis congenita, autosomal dominant 1. Last evaluated: 2023-09-27. Review status: criteria provided, single submitter. Criteria: Invitae Variant Classification Sherloc (09022015). Collection method: clinical testing. Allele origin: germline.
Comment: In summary, the available evidence is currently insufficient to determine the role of this variant in disease. Therefore, it has been classified as a Variant of Uncertain Significance. This variant is located in a region of TERC in which a significant number of disease causing variants have been reported (PMID: 15082312, 21844345, 21931702). These observations suggest that this may be a clinically significant region. This variant is located within the template/pseudoknot domain of the TERC RNA component, which is required for RNA or RNP stability (PMID: 15082312, 21844345). ClinVar contains an entry for this variant (Variation ID: 660503). This variant has not been reported in the literature in individuals affected with TERC-related conditions. This variant is present in population databases (rs199422261, gnomAD 0.003%). This variant occurs in the TERC gene, which encodes an RNA molecule that does not result in a protein product.

Literature cited by the submitters: PubMed 15082312; PubMed 21844345; PubMed 21931702.